The following is an entry in ClinVar:

NM_005012.4(ROR1):c.1875G>C (p.Glu625Asp)

Gene: ROR1 (receptor tyrosine kinase like orphan receptor 1; plus strand). Cytogenetic location: 1p31.3.
Variant type: single nucleotide variant.
Coding change: c.1875G>C on transcript NM_005012.4 (MANE Select); coding-DNA position 1875, G replaced by C.
Protein change: p.Glu625Asp; replaces glutamic acid 625 with aspartic acid.
Molecular consequence: missense variant.
Genome position (GRCh38, 1-based): chr1:64,177,916, G>C. VCF-style: chr1-64177916-G-C. GRCh37 (hg19) VCF-style: chr1-64643599-G-C.
Other names: short protein forms E625D.
Identifiers: ClinVar variation 2057571 (VCV002057571.4), dbSNP rs750353879, ClinGen allele CA890344.

ClinVar aggregate classification (germline): Uncertain significance (1 of 4 stars; one submission).

Allele frequency attached by ClinVar (database versions not stated): ExAC 0.00001; TOPMed 0.00001.

Submission:

Labcorp Genetics (formerly Invitae), Labcorp
Classification: Uncertain significance. Last evaluated: 2021-12-24. Review status: criteria provided, single submitter. Criteria: Invitae Variant Classification Sherloc (09022015). Collection method: clinical testing. Allele origin: germline.
Comment: This variant is present in population databases (rs750353879, gnomAD 0.003%). This sequence change replaces glutamic acid, which is acidic and polar, with aspartic acid, which is acidic and polar, at codon 625 of the ROR1 protein (p.Glu625Asp). This variant has not been reported in the literature in individuals affected with ROR1-related conditions. In summary, the available evidence is currently insufficient to determine the role of this variant in disease. Therefore, it has been classified as a Variant of Uncertain Significance. Algorithms developed to predict the effect of missense changes on protein structure and function (SIFT, PolyPhen-2, Align-GVGD) all suggest that this variant is likely to be tolerated.